The following is an entry in ClinVar:

ClinVar aggregate classification (germline): Uncertain significance (1 of 4 stars; one submission).

Conditions:
Intellectual developmental disorder, autosomal dominant 1. Also called: Intellectual disability, autosomal dominant 1; MBD5 Haploinsufficiency. Identifiers: Orphanet 228402, MedGen C1969562, MONDO:0007974, OMIM 156200.

Submission:

Labcorp Genetics (formerly Invitae), Labcorp
Classification: Uncertain significance for Intellectual developmental disorder, autosomal dominant 1. Last evaluated: 2022-04-15. Review status: criteria provided, single submitter. Criteria: Invitae Variant Classification Sherloc (09022015). Collection method: clinical testing. Allele origin: germline.
Comment: Algorithms developed to predict the effect of missense changes on protein structure and function are either unavailable or do not agree on the potential impact of this missense change (SIFT: "Deleterious"; PolyPhen-2: "Not Available"; Align-GVGD: "Class C65"). This variant has not been reported in the literature in individuals affected with MBD5-related conditions. This variant is not present in population databases (gnomAD no frequency). This sequence change replaces cysteine, which is neutral and slightly polar, with phenylalanine, which is neutral and non-polar, at codon 1190 of the MBD5 protein (p.Cys1190Phe). In summary, the available evidence is currently insufficient to determine the role of this variant in disease. Therefore, it has been classified as a Variant of Uncertain Significance.

NM_001378120.1(MBD5):c.4268G>T (p.Cys1423Phe)

Gene: MBD5 (methyl-CpG binding domain protein 5; plus strand). Cytogenetic location: 2q23.1.
Variant type: single nucleotide variant.
Coding change: c.4268G>T on transcript NM_001378120.1 (MANE Select); coding-DNA position 4268, G replaced by T.
Protein change: p.Cys1423Phe; replaces cysteine 1423 with phenylalanine.
Molecular consequence: missense variant.
Genome position (GRCh38, 1-based): chr2:148,489,900, G>T. VCF-style: chr2-148489900-G-T. GRCh37 (hg19) VCF-style: chr2-149247469-G-T.
Other names: c.3569G>T, p.Cys1190Phe (NM_018328.5); short protein forms C1423F, C1190F.
Identifiers: ClinVar variation 1504597 (VCV001504597.8), dbSNP rs1486727511, ClinGen allele CA348728394.